The following is an entry in ClinVar:

NM_005068.3(SIM1):c.*999T>C

Gene: SIM1 (SIM bHLH transcription factor 1; minus strand). Cytogenetic location: 6q16.3.
Variant type: single nucleotide variant.
Coding change: c.*999T>C on transcript NM_005068.3 (MANE Select); 999 bases downstream of the stop codon, T replaced by C.
Molecular consequence: 3 prime UTR variant.
Genome position (GRCh38, 1-based): chr6:100,389,362, A>G on the plus strand (T>C on the coding strand, the complement: SIM1 is on the minus strand). VCF-style: chr6-100389362-A-G. GRCh37 (hg19) VCF-style: chr6-100837238-A-G.
Other names: c.*999T>C (NM_001374769.1).
Identifiers: ClinVar variation 905431 (VCV000905431.4), dbSNP rs79109100, ClinGen allele CA144530077.

ClinVar aggregate classification (germline): Benign (1 of 4 stars; one submission).

Conditions:
Obesity due to SIM1 deficiency. Identifiers: Orphanet 369873, MedGen C5191050, MONDO:0018244.

Allele frequency attached by ClinVar (database versions not stated): gnomAD exomes 0.00040; gnomAD 0.00346 and 0.00372; TOPMed 0.00397; 1000 Genomes Project 0.00419; 1000 Genomes Project 30x 0.00437.
gnomAD v4.1: 607 of 365,500 alleles (0.17%); highest among the groups gnomAD compares: African/African-American, 1.2%; 2 homozygotes.

Submission:

Illumina Laboratory Services, Illumina
Classification: Benign for Obesity due to SIM1 deficiency. Last evaluated: 2018-01-12. Review status: criteria provided, single submitter. Criteria: ICSL Variant Classification Criteria 13 December 2019. Collection method: clinical testing. Allele origin: germline.
Comment: This variant was observed in the ICSL laboratory as part of a predisposition screen in an ostensibly healthy population. It had not been previously curated by ICSL or reported in the Human Gene Mutation Database (HGMD: prior to June 1st, 2018), and was therefore a candidate for classification through an automated scoring system. Utilizing variant allele frequency, disease prevalence and penetrance estimates, and inheritance mode, an automated score was calculated to assess if this variant is too frequent to cause the disease. Based on the score and internal cut-off values, a variant classified as benign is not then subjected to further curation. The score for this variant resulted in a classification of benign for this disease.